The following is an entry in ClinVar:

NM_173076.3(ABCA12):c.506del (p.Lys169fs)

Gene: ABCA12 (ATP binding cassette subfamily A member 12; minus strand). Cytogenetic location: 2q35.
Variant type: Deletion.
Coding change: c.506del on transcript NM_173076.3 (MANE Select); coding-DNA position 506, one base deleted (A; older notation c.506delA).
Protein change: p.Lys169fs; shifts the reading frame from lysine 169.
Molecular consequence: frameshift variant. On other transcripts: non-coding transcript variant (1).
Genome position (GRCh38, 1-based): chr2:215,052,488, T deleted on the plus strand (A on the coding strand, the reverse complement: ABCA12 is on the minus strand); the first of 4 consecutive T bases (chr2:215,052,488-215,052,491); deleting any one gives the same sequence. VCF-style (leftmost placement, unchanged base first): chr2-215052487-CT-C. GRCh37 (hg19) VCF-style: chr2-215917211-CT-C.
Other names: short protein forms K169fs.
Identifiers: ClinVar variation 3670420 (VCV003670420.2).

ClinVar aggregate classification (germline): Pathogenic (1 of 4 stars; one submission).

Submission:

Labcorp Genetics (formerly Invitae), Labcorp
Classification: Pathogenic. Last evaluated: 2024-02-07. Review status: criteria provided, single submitter. Criteria: Invitae Variant Classification Sherloc (09022015). Collection method: clinical testing. Allele origin: germline.
Comment: This sequence change creates a premature translational stop signal (p.Lys169Serfs*3) in the ABCA12 gene. It is expected to result in an absent or disrupted protein product. Loss-of-function variants in ABCA12 are known to be pathogenic (PMID: 20672373). This variant is not present in population databases (gnomAD no frequency). This variant has not been reported in the literature in individuals affected with ABCA12-related conditions. For these reasons, this variant has been classified as Pathogenic.

Literature cited by the submitters: PubMed 20672373.